The following is an entry in ClinVar:

ClinVar aggregate classification (germline): Pathogenic. Review status: criteria provided, single submitter (1 of 4 stars). 2 submissions from 2 submitters: Pathogenic (1). 1 of the submissions does not count toward it. Last evaluated 2021-07-18.

Conditions:
Sandhoff disease. Also called: GM2-GANGLIOSIDOSIS, TYPE II; HEXOSAMINIDASES A AND B DEFICIENCY; Beta-hexosaminidase-beta-subunit deficiency; GM2 gangliosidosis, type 2; Total hexosaminidase deficiency; Sandhoff-Jatzkewitz-Pilz disease. Identifiers: Orphanet 796, MedGen C0036161, MONDO:0010006, OMIM 268800.

Submissions (2):

Labcorp Genetics (formerly Invitae), Labcorp
Classification: Pathogenic for Sandhoff disease. Last evaluated: 2021-07-18. Review status: criteria provided, single submitter. Criteria: Invitae Variant Classification Sherloc (09022015). Collection method: clinical testing. Allele origin: germline.
Comment: This sequence change creates a premature translational stop signal (p.Asp521Glufs*5) in the HEXB gene. While this is not anticipated to result in nonsense mediated decay, it is expected to disrupt the last 36 amino acid(s) of the HEXB protein. This variant is not present in population databases (ExAC no frequency). This variant has not been reported in the literature in individuals affected with HEXB-related conditions. This variant disrupts a region of the HEXB protein in which other variant(s) (p.Cys534*) have been determined to be pathogenic (PMID: 29448188, 30075786). This suggests that this is a clinically significant region of the protein, and that variants that disrupt it are likely to be disease-causing. For these reasons, this variant has been classified as Pathogenic.

Counsyl
Classification: Likely pathogenic for Sandhoff disease. Last evaluated: 2017-10-05. Review status: no assertion criteria provided. Collection method: clinical testing. Allele origin: unknown. Not counted in ClinVar's aggregate classification.

Literature cited by the submitters: PubMed 29448188 (cited by Labcorp Genetics (formerly Invitae), Labcorp); PubMed 30075786 (cited by Labcorp Genetics (formerly Invitae), Labcorp).

NM_000521.4(HEXB):c.1559_1562dup (p.Asp521fs)

Gene: HEXB (hexosaminidase subunit beta; plus strand). Cytogenetic location: 5q13.3.
Variant type: Microsatellite.
Coding change: c.1559_1562dup on transcript NM_000521.4 (MANE Select); coding-DNA positions 1559 to 1562, 4 bases duplicated (GAGA; older notation c.1559_1562dupGAGA).
Protein change: p.Asp521fs; shifts the reading frame from aspartic acid 521.
Molecular consequence: frameshift variant.
Genome position (GRCh38, 1-based): chr5:74,720,693-74,720,696, GAGA duplicated; duplicating any 4 consecutive bases within chr5:74,720,692-74,720,696 gives the same sequence; the c. name uses the placement nearest the transcript's 3' end. VCF-style (leftmost placement, unchanged base first): chr5-74720691-C-CAGAG. GRCh37 (hg19) VCF-style: chr5-74016516-C-CAGAG.
Other names: c.884_887dup, p.Asp296fs (NM_001292004.2); short protein forms D521fs, D296fs.
Identifiers: ClinVar variation 553993 (VCV000553993.7), dbSNP rs1554037129, ClinGen allele CA658822012.